The following is an entry in ClinVar:

ClinVar aggregate classification (germline): Uncertain significance. Review status: criteria provided, multiple submitters, no conflicts (2 of 4 stars). 2 submissions from 2 submitters: Uncertain significance (2). Last evaluated 2025-11-05.

Conditions:
Inborn genetic diseases. Identifiers: MedGen C0950123, MeSH D030342.

gnomAD v4.1: 155 of 1,614,140 alleles (0.0096%); highest among the groups gnomAD compares: Non-Finnish European, 0.013%; no homozygotes.

Submissions (2):

Ambry Genetics
Classification: Uncertain significance for Inborn genetic diseases. Last evaluated: 2025-11-05. Review status: criteria provided, single submitter. Criteria: Ambry Variant Classification Scheme 2023. Collection method: clinical testing. Allele origin: germline.

Labcorp Genetics (formerly Invitae), Labcorp
Classification: Uncertain significance. Last evaluated: 2024-09-19. Review status: criteria provided, single submitter. Criteria: Invitae Variant Classification Sherloc (09022015). Collection method: clinical testing. Allele origin: germline.
Comment: This sequence change replaces proline, which is neutral and non-polar, with serine, which is neutral and polar, at codon 160 of the TNFRSF9 protein (p.Pro160Ser). This variant is present in population databases (rs373507458, gnomAD 0.006%). This variant has not been reported in the literature in individuals affected with TNFRSF9-related conditions. An algorithm developed to predict the effect of missense changes on protein structure and function outputs the following: PolyPhen-2: "Benign". The serine amino acid residue is found in multiple mammalian species, which suggests that this missense change does not adversely affect protein function. In summary, the available evidence is currently insufficient to determine the role of this variant in disease. Therefore, it has been classified as a Variant of Uncertain Significance.

NM_001561.6(TNFRSF9):c.478C>T (p.Pro160Ser)

Gene: TNFRSF9 (TNF receptor superfamily member 9; minus strand). Cytogenetic location: 1p36.23.
Variant type: single nucleotide variant.
Coding change: c.478C>T on transcript NM_001561.6 (MANE Select); coding-DNA position 478, C replaced by T.
Protein change: p.Pro160Ser; replaces proline 160 with serine.
Molecular consequence: missense variant.
Genome position (GRCh38, 1-based): chr1:7,935,079, G>A on the plus strand (C>T on the coding strand, the complement: TNFRSF9 is on the minus strand). VCF-style: chr1-7935079-G-A. GRCh37 (hg19) VCF-style: chr1-7995139-G-A.
Other names: c.478C>T (NM_001561.5); short protein forms P160S.
Identifiers: ClinVar variation 3629290 (VCV003629290.2).
Genomic context (GRCh38, chr1:7,935,079, plus strand): 5'-CTCTCGCAGGGGCAGGCGGGGTCACAGAGGATGCTCCCGGAGAGAGGTCGGCTGGAGATG[G>A]TCCACAGACCACGTCCCTCTCCTTCGTCCCATTCACAAGCACAGACTTTCCATCCAAAGA-3'
Protein context (NP_001552.2, residues 150-170): GTKERDVVCG[Pro160Ser]SPADLSPGAS